The following is an entry in ClinVar:

NM_015192.4(PLCB1):c.1581+4G>A

Genes: PLCB1 (phospholipase C beta 1; plus strand), LOC130065410 (ATAC-STARR-seq lymphoblastoid silent region 12669; plus strand). Cytogenetic location: 20p12.3.
Variant type: single nucleotide variant.
Coding change: c.1581+4G>A on transcript NM_015192.4 (MANE Select); 4 bases into the intron after coding-DNA position 1581, G replaced by A.
Molecular consequence: intron variant.
Genome position (GRCh38, 1-based): chr20:8,722,425, G>A. VCF-style: chr20-8722425-G-A. GRCh37 (hg19) VCF-style: chr20-8703072-G-A.
Other names: c.1581+4G>A (NM_015192.2, NM_182734.3).
Identifiers: ClinVar variation 848881 (VCV000848881.8), dbSNP rs761829659, ClinGen allele CA9759995.

ClinVar aggregate classification (germline): Uncertain significance. Review status: criteria provided, multiple submitters, no conflicts (2 of 4 stars). 2 submissions from 2 submitters: Uncertain significance (2). Last evaluated 2026-05-01.

Conditions:
Inborn genetic diseases. Identifiers: MedGen C0950123, MeSH D030342.
Developmental and epileptic encephalopathy, 12 (DEE12). Identifiers: MedGen C3150988, MONDO:0013389, OMIM 613722.

Allele frequency attached by ClinVar (database versions not stated): gnomAD exomes 0.00002 and 0.00003; ExAC 0.00001; TOPMed 0.00002.
gnomAD v4.1: 9 of 1,604,920 alleles (0.00056%); highest among the groups gnomAD compares: Admixed American, 0.015%; no homozygotes.

Submissions (2):

Ambry Genetics
Classification: Uncertain significance for Inborn genetic diseases. Last evaluated: 2026-05-01. Review status: criteria provided, single submitter. Criteria: Ambry Variant Classification Scheme 2023. Collection method: clinical testing. Allele origin: germline.
Comment: The c.1581+4G>A intronic alteration consists of a G to A substitution nucleotides after coding exon 15 in the PLCB1 gene. Based on data from gnomAD, the A allele has an overall frequency of 0.003% (7/244064) total alleles studied. The highest observed frequency was 0.022% (7/32398) of Latino alleles. Based on insufficient or conflicting evidence, the clinical significance of this alteration remains unclear.

Labcorp Genetics (formerly Invitae), Labcorp
Classification: Uncertain significance for Developmental and epileptic encephalopathy, 12. Last evaluated: 2022-06-03. Review status: criteria provided, single submitter. Criteria: Invitae Variant Classification Sherloc (09022015). Collection method: clinical testing. Allele origin: germline.
Comment: This sequence change falls in intron 15 of the PLCB1 gene. It does not directly change the encoded amino acid sequence of the PLCB1 protein. It affects a nucleotide within the consensus splice site. This variant is present in population databases (rs761829659, gnomAD 0.03%). This variant has not been reported in the literature in individuals affected with PLCB1-related conditions. ClinVar contains an entry for this variant (Variation ID: 848881). Variants that disrupt the consensus splice site are a relatively common cause of aberrant splicing (PMID: 17576681, 9536098). Algorithms developed to predict the effect of sequence changes on RNA splicing suggest that this variant is not likely to affect RNA splicing. In summary, the available evidence is currently insufficient to determine the role of this variant in disease. Therefore, it has been classified as a Variant of Uncertain Significance.

Literature cited by the submitters: PubMed 17576681 (cited by Labcorp Genetics (formerly Invitae), Labcorp); PubMed 9536098 (cited by Labcorp Genetics (formerly Invitae), Labcorp).